The following is an entry in ClinVar:

NM_005633.4(SOS1):c.3520A>C (p.Lys1174Gln)

Gene: SOS1 (SOS Ras/Rac guanine nucleotide exchange factor 1; minus strand). Cytogenetic location: 2p22.1.
Variant type: single nucleotide variant.
Coding change: c.3520A>C on transcript NM_005633.4 (MANE Select); coding-DNA position 3520, A replaced by C.
Protein change: p.Lys1174Gln; replaces lysine 1174 with glutamine.
Molecular consequence: missense variant.
Genome position (GRCh38, 1-based): chr2:38,986,306, T>G on the plus strand (A>C on the coding strand, the complement: SOS1 is on the minus strand). VCF-style: chr2-38986306-T-G. GRCh37 (hg19) VCF-style: chr2-39213447-T-G.
Other names: c.3499A>C, p.Lys1167Gln (NM_001382394.1); c.3475A>C, p.Lys1159Gln (NM_001382395.1); short protein forms K1159Q, K1174Q, K1167Q.
Identifiers: ClinVar variation 3959837 (VCV003959837.1).

ClinVar aggregate classification (germline): Uncertain significance (1 of 4 stars; one submission).

Conditions:
Cardiovascular phenotype. Identifiers: MedGen CN230736.

gnomAD v4.1: 3 of 1,612,248 alleles (0.00019%); highest among the groups gnomAD compares: South Asian, 0.0022%; no homozygotes.

Submission:

Ambry Genetics
Classification: Uncertain significance for Cardiovascular phenotype. Last evaluated: 2025-04-02. Review status: criteria provided, single submitter. Criteria: Ambry Variant Classification Scheme 2023. Collection method: clinical testing. Allele origin: germline.
Comment: The p.K1174Q variant (also known as c.3520A>C), located in coding exon 23 of the SOS1 gene, results from an A to C substitution at nucleotide position 3520. The lysine at codon 1174 is replaced by glutamine, an amino acid with similar properties. This amino acid position is conserved. In addition, this alteration is predicted to be tolerated by in silico analysis. Based on the available evidence, the clinical significance of this variant remains unclear.